The following is an entry in ClinVar:

NC_000012.11:g.(?_21971064)_(21971205_?)del

Gene: ABCC9 (ATP binding cassette subfamily C member 9; minus strand). Cytogenetic location: 12p12.1.
Variant type: Deletion.
Identifiers: ClinVar variation 2425398 (VCV002425398.4).

ClinVar aggregate classification (germline): Uncertain significance (1 of 4 stars; one submission).

Conditions:
Dilated cardiomyopathy 1O (CMD1O). Also called: CARDIOMYOPATHY, DILATED, WITH VENTRICULAR TACHYCARDIA. Identifiers: Orphanet 154, MedGen C1837839, MONDO:0012062, OMIM 608569.

Submission:

Labcorp Genetics (formerly Invitae), Labcorp
Classification: Uncertain significance for Dilated cardiomyopathy 1O. Last evaluated: 2022-03-23. Review status: criteria provided, single submitter. Criteria: Invitae Variant Classification Sherloc (09022015). Collection method: clinical testing. Allele origin: germline.
Comment: In summary, the available evidence is currently insufficient to determine the role of this variant in disease. Therefore, it has been classified as a Variant of Uncertain Significance. Experimental studies and prediction algorithms are not available or were not evaluated, and the functional significance of this variant is currently unknown. This variant has not been reported in the literature in individuals affected with ABCC9-related conditions. This variant is a gross deletion of the genomic region encompassing exon(s) 30 of the ABCC9 gene. This variant would be expected to be in-frame, preserving the integrity of the reading frame.